The following is an entry in ClinVar:

NM_001379286.1(ZNF423):c.3244C>T (p.Arg1082Cys)

Gene: ZNF423 (zinc finger protein 423; minus strand). Cytogenetic location: 16q12.1.
Variant type: single nucleotide variant.
Coding change: c.3244C>T on transcript NM_001379286.1 (MANE Select); coding-DNA position 3244, C replaced by T.
Protein change: p.Arg1082Cys; replaces arginine 1082 with cysteine.
Molecular consequence: missense variant.
Genome position (GRCh38, 1-based): chr16:49,635,932, G>A on the plus strand (C>T on the coding strand, the complement: ZNF423 is on the minus strand). VCF-style: chr16-49635932-G-A. GRCh37 (hg19) VCF-style: chr16-49669843-G-A.
Other names: c.3040C>T, p.Arg1014Cys (NM_001271620.2); c.2869C>T, p.Arg957Cys (NM_001330533.2); c.3220C>T, p.Arg1074Cys (NM_015069.5); c.3220C>T (NM_015069.4); short protein forms R1082C, R1014C, R957C, R1074C.
Identifiers: ClinVar variation 943416 (VCV000943416.7), dbSNP rs373906393, ClinGen allele CA8046359.
Genomic context (GRCh38, chr16:49,635,932, plus strand): 5'-CGGCGCAGAGGCCGTAGGGCAGCCCATTGACGTCAAGCTTCACCAGGTCCTGCTTGCTGC[G>A]GAACTCCTTGAGGCACAGGGCGCACTTGTAGAGCTTCTGCAGCCCCTGGCCATTGGGGGA-3'
Protein context (NP_001366215.1, residues 1072-1092): YKCALCLKEF[Arg1082Cys]SKQDLVKLDV

ClinVar aggregate classification (germline): Uncertain significance. Review status: criteria provided, multiple submitters, no conflicts (2 of 4 stars). 2 submissions from 2 submitters: Uncertain significance (2). Last evaluated 2025-06-13.

Conditions:
ZNF423-related disorder. Also called: ZNF423-related condition.
Nephronophthisis 14 (NPHP14). Identifiers: Orphanet 2318, MedGen C3539071, MONDO:0013916, OMIM 614844.

Allele frequency attached by ClinVar (database versions not stated): gnomAD 0.00003 and 0.00004; gnomAD exomes 0.00003 and 0.00004; ExAC 0.00004; TOPMed 0.00005; ESP Exome Variant Server 0.00008.
gnomAD v4.1: 61 of 1,589,888 alleles (0.0038%); highest among the groups gnomAD compares: South Asian, 0.012%; no homozygotes.

Submissions (2):

PreventionGenetics, part of Exact Sciences
Classification: Uncertain significance for ZNF423-related condition. Last evaluated: 2025-06-13. Review status: criteria provided, single submitter. Criteria: ACMG Guidelines, 2015. Collection method: clinical testing. Allele origin: germline.
Comment: The ZNF423 c.3220C>T variant is predicted to result in the amino acid substitution p.Arg1074Cys. To our knowledge, this variant has not been reported in the literature. This variant is reported in 0.016% of alleles in individuals of South Asian descent in gnomAD. At this time, the clinical significance of this variant is uncertain due to the absence of conclusive functional and genetic evidence.

Labcorp Genetics (formerly Invitae), Labcorp
Classification: Uncertain significance for Nephronophthisis 14. Last evaluated: 2024-04-15. Review status: criteria provided, single submitter. Criteria: Invitae Variant Classification Sherloc (09022015). Collection method: clinical testing. Allele origin: germline.
Comment: This sequence change replaces arginine, which is basic and polar, with cysteine, which is neutral and slightly polar, at codon 1074 of the ZNF423 protein (p.Arg1074Cys). This variant is present in population databases (rs373906393, gnomAD 0.02%). This variant has not been reported in the literature in individuals affected with ZNF423-related conditions. ClinVar contains an entry for this variant (Variation ID: 943416). Advanced modeling of protein sequence and biophysical properties (such as structural, functional, and spatial information, amino acid conservation, physicochemical variation, residue mobility, and thermodynamic stability) performed at Invitae indicates that this missense variant is not expected to disrupt ZNF423 protein function with a negative predictive value of 80%. In summary, the available evidence is currently insufficient to determine the role of this variant in disease. Therefore, it has been classified as a Variant of Uncertain Significance.